The following is an entry in ClinVar:

ClinVar aggregate classification (germline): Uncertain significance (1 of 4 stars; one submission).

Submission:

GeneDx
Classification: Uncertain significance. Last evaluated: 2025-07-17. Review status: criteria provided, single submitter. Criteria: GeneDx Variant Classification Process June 2021. Collection method: clinical testing. Allele origin: germline. Affected: yes.
Comment: Not observed at significant frequency in large population cohorts (gnomAD); In silico analysis suggests that this missense variant does not alter protein structure/function; Has not been previously published as pathogenic or benign to our knowledge

NM_001370466.1(NOD2):c.1907T>G (p.Leu636Arg)

Gene: NOD2 (nucleotide binding oligomerization domain containing 2; plus strand). Cytogenetic location: 16q12.1.
Variant type: single nucleotide variant.
Coding change: c.1907T>G on transcript NM_001370466.1 (MANE Select); coding-DNA position 1907, T replaced by G.
Protein change: p.Leu636Arg; replaces leucine 636 with arginine.
Molecular consequence: missense variant. On other transcripts: non-coding transcript variant (1).
Genome position (GRCh38, 1-based): chr16:50,711,899, T>G. VCF-style: chr16-50711899-T-G. GRCh37 (hg19) VCF-style: chr16-50745810-T-G.
Other names: c.1907T>G, p.Leu636Arg (NM_001293557.2); c.1988T>G, p.Leu663Arg (NM_022162.3); short protein forms L636R, L663R.
Identifiers: ClinVar variation 4686546 (VCV004686546.1).